The following is an entry in ClinVar:

NM_032043.3(BRIP1):c.2111T>G (p.Leu704Ter)

Gene: BRIP1 (BRCA1 interacting DNA helicase 1; minus strand). Cytogenetic location: 17q23.2.
Variant type: single nucleotide variant.
Coding change: c.2111T>G on transcript NM_032043.3 (MANE Select); coding-DNA position 2111, T replaced by G.
Protein change: p.Leu704Ter; replaces leucine 704 with a stop codon.
Molecular consequence: nonsense.
Genome position (GRCh38, 1-based): chr17:61,744,578, A>C on the plus strand (T>G on the coding strand, the complement: BRIP1 is on the minus strand). VCF-style: chr17-61744578-A-C. GRCh37 (hg19) VCF-style: chr17-59821939-A-C.
Other names: short protein forms L704*.
Identifiers: ClinVar variation 1073531 (VCV001073531.12), dbSNP rs1057517643, ClinGen allele CA400483361.

ClinVar aggregate classification (germline): Pathogenic. Review status: criteria provided, multiple submitters, no conflicts (2 of 4 stars). 3 submissions from 3 submitters: Pathogenic (3). Last evaluated 2025-12-16.

Conditions:
Fanconi anemia complementation group J. Also called: BRIP1-Related Fanconi Anemia. Identifiers: Orphanet 84, MedGen C1836860, MONDO:0012187, OMIM 609054.
Familial cancer of breast. Also called: BREAST CANCER, FAMILIAL; hereditary breast carcinoma; Hereditary breast cancer. Identifiers: Orphanet 227535, MedGen C0346153, MONDO:0016419, OMIM 114480. Disease mechanism: loss of function.
Hereditary cancer-predisposing syndrome. Also called: Neoplastic Syndromes, Hereditary; Hereditary neoplastic syndrome; Tumor predisposition; Hereditary Cancer Syndrome. Identifiers: Orphanet 140162, MedGen C0027672, MeSH D009386, MONDO:0015356.

Allele frequency attached by ClinVar (database versions not stated): gnomAD exomes below 0.00001.
gnomAD v4.1: 1 of 1,613,280 alleles (0.000062%); highest among the groups gnomAD compares: Non-Finnish European, 0.000085%; no homozygotes.

Submissions (3):

Labcorp Genetics (formerly Invitae), Labcorp
Classification: Pathogenic for Familial cancer of breast; Fanconi anemia complementation group J. Last evaluated: 2025-12-16. Review status: criteria provided, single submitter. Criteria: Invitae Variant Classification Sherloc (09022015). Collection method: clinical testing. Allele origin: germline.
Comment: This sequence change creates a premature translational stop signal (p.Leu704*) in the BRIP1 gene. It is expected to result in an absent or disrupted protein product. Loss-of-function variants in BRIP1 are known to be pathogenic (PMID: 16116423, 17033622, 21964575). This variant is not present in population databases (gnomAD no frequency). This variant has not been reported in the literature in individuals affected with BRIP1-related conditions. ClinVar contains an entry for this variant (Variation ID: 1073531). For these reasons, this variant has been classified as Pathogenic.

Ambry Genetics
Classification: Pathogenic for Hereditary cancer-predisposing syndrome. Last evaluated: 2025-06-26. Review status: criteria provided, single submitter. Criteria: Ambry Variant Classification Scheme 2023. Collection method: clinical testing. Allele origin: germline.
Comment: The p.L704* pathogenic mutation (also known as c.2111T>G), located in coding exon 14 of the BRIP1 gene, results from a T to G substitution at nucleotide position 2111. This changes the amino acid from a leucine to a stop codon within coding exon 14. This variant is considered to be rare based on population cohorts in the Genome Aggregation Database (gnomAD). This alteration is expected to result in loss of function by premature protein truncation or nonsense-mediated mRNA decay. As such, this alteration is interpreted as a disease-causing mutation.

Myriad Genetics, Inc.
Classification: Pathogenic for Familial cancer of breast. Last evaluated: 2023-06-06. Review status: criteria provided, single submitter. Criteria: Myriad Autosomal Dominant, Autosomal Recessive and X-Linked Classification Criteria (2023). Collection method: clinical testing. Allele origin: unknown.
Comment: This variant is considered pathogenic. This variant creates a termination codon and is predicted to result in premature protein truncation.

Literature cited by the submitters: PubMed 16116423 (cited by Labcorp Genetics (formerly Invitae), Labcorp); PubMed 17033622 (cited by Labcorp Genetics (formerly Invitae), Labcorp); PubMed 21964575 (cited by Labcorp Genetics (formerly Invitae), Labcorp).